The following is an entry in ClinVar:

NM_004727.3(SLC24A1):c.976A>G (p.Ser326Gly)

Gene: SLC24A1 (solute carrier family 24 member 1; plus strand). Cytogenetic location: 15q22.31.
Variant type: single nucleotide variant.
Coding change: c.976A>G on transcript NM_004727.3 (MANE Select); coding-DNA position 976, A replaced by G.
Protein change: p.Ser326Gly; replaces serine 326 with glycine.
Molecular consequence: missense variant.
Genome position (GRCh38, 1-based): chr15:65,625,056, A>G. VCF-style: chr15-65625056-A-G. GRCh37 (hg19) VCF-style: chr15-65917394-A-G.
Other names: c.976A>G, p.Ser326Gly (NM_001301031.1, NM_001301032.1, NM_001301033.2); short protein forms S326G.
Identifiers: ClinVar variation 953824 (VCV000953824.9), dbSNP rs1418421290, ClinGen allele CA392916275.

ClinVar aggregate classification (germline): Uncertain significance (1 of 4 stars; one submission).

Allele frequency attached by ClinVar (database versions not stated): gnomAD exomes below 0.00001; TOPMed below 0.00001.
gnomAD v4.1: 1 of 1,613,768 alleles (0.000062%); highest among the groups gnomAD compares: African/African-American, 0.0013%; no homozygotes.

Submission:

Labcorp Genetics (formerly Invitae), Labcorp
Classification: Uncertain significance. Last evaluated: 2023-07-10. Review status: criteria provided, single submitter. Criteria: Invitae Variant Classification Sherloc (09022015). Collection method: clinical testing. Allele origin: germline.
Comment: In summary, the available evidence is currently insufficient to determine the role of this variant in disease. Therefore, it has been classified as a Variant of Uncertain Significance. An algorithm developed to predict the effect of missense changes on protein structure and function (PolyPhen-2) suggests that this variant is likely to be tolerated. ClinVar contains an entry for this variant (Variation ID: 953824). This variant has not been reported in the literature in individuals affected with SLC24A1-related conditions. This sequence change replaces serine, which is neutral and polar, with glycine, which is neutral and non-polar, at codon 326 of the SLC24A1 protein (p.Ser326Gly). This variant is present in population databases (no rsID available, gnomAD 0.007%).